The following is an entry in ClinVar:

ClinVar aggregate classification (germline): Uncertain significance. Review status: criteria provided, multiple submitters, no conflicts (2 of 4 stars). 2 submissions from 2 submitters: Uncertain significance (2). Last evaluated 2025-05-15.

Conditions:
Hereditary cancer-predisposing syndrome. Also called: Neoplastic Syndromes, Hereditary; Hereditary Cancer Syndrome; Hereditary neoplastic syndrome; Tumor predisposition. Identifiers: Orphanet 140162, MedGen C0027672, MeSH D009386, MONDO:0015356.
Familial cancer of breast. Also called: BREAST CANCER, FAMILIAL; Hereditary breast cancer; hereditary breast carcinoma. Identifiers: Orphanet 227535, MedGen C0346153, MONDO:0016419, OMIM 114480. Disease mechanism: loss of function.

Allele frequency attached by ClinVar (database versions not stated): TOPMed 0.00001; gnomAD 0.00003.

Submissions (2):

Labcorp Genetics (formerly Invitae), Labcorp
Classification: Uncertain significance for Familial cancer of breast. Last evaluated: 2025-05-15. Review status: criteria provided, single submitter. Criteria: Invitae Variant Classification Sherloc (09022015). Collection method: clinical testing. Allele origin: germline.
Comment: This sequence change replaces arginine, which is basic and polar, with glycine, which is neutral and non-polar, at codon 37 of the PALB2 protein (p.Arg37Gly). This variant is present in population databases (no rsID available, gnomAD 0.007%). This variant has not been reported in the literature in individuals affected with PALB2-related conditions. ClinVar contains an entry for this variant (Variation ID: 460878). An algorithm developed to predict the effect of missense changes on protein structure and function (PolyPhen-2) suggests that this variant is likely to be disruptive. In summary, the available evidence is currently insufficient to determine the role of this variant in disease. Therefore, it has been classified as a Variant of Uncertain Significance.

Ambry Genetics
Classification: Uncertain significance for Hereditary cancer-predisposing syndrome. Last evaluated: 2024-01-09. Review status: criteria provided, single submitter. Criteria: Ambry Variant Classification Scheme 2023. Collection method: clinical testing. Allele origin: germline.
Comment: The p.R37G variant (also known as c.109C>G), located in coding exon 3 of the PALB2 gene, results from a C to G substitution at nucleotide position 109. This variant impacts the first base pair of coding exon 3. The arginine at codon 37 is replaced by glycine, an amino acid with dissimilar properties. This amino acid position is highly conserved in available vertebrate species. In addition, the in silico prediction for this alteration is inconclusive. Since supporting evidence is limited at this time, the clinical significance of this alteration remains unclear.

NM_024675.4(PALB2):c.109C>G (p.Arg37Gly)

Gene: PALB2 (partner and localizer of BRCA2; minus strand). Cytogenetic location: 16p12.2.
Variant type: single nucleotide variant.
Coding change: c.109C>G on transcript NM_024675.4 (MANE Select); coding-DNA position 109, C replaced by G.
Protein change: p.Arg37Gly; replaces arginine 37 with glycine.
Molecular consequence: missense variant.
Genome position (GRCh38, 1-based): chr16:23,637,952, G>C on the plus strand (C>G on the coding strand, the complement: PALB2 is on the minus strand). VCF-style: chr16-23637952-G-C. GRCh37 (hg19) VCF-style: chr16-23649273-G-C.
Other names: short protein forms R37G.
Identifiers: ClinVar variation 460878 (VCV000460878.16), dbSNP rs200048921, ClinGen allele CA395139489.